The following is an entry in ClinVar:

NM_001281740.3(FHOD3):c.80G>C (p.Arg27Pro)

Genes: FHOD3 (formin homology 2 domain containing 3; plus strand), LOC130062385 (ATAC-STARR-seq lymphoblastoid silent region 9404; plus strand). Cytogenetic location: 18q12.2.
Variant type: single nucleotide variant.
Coding change: c.80G>C on transcript NM_001281740.3 (MANE Select); coding-DNA position 80, G replaced by C.
Protein change: p.Arg27Pro; replaces arginine 27 with proline.
Molecular consequence: missense variant.
Genome position (GRCh38, 1-based): chr18:36,297,915, G>C. VCF-style: chr18-36297915-G-C. GRCh37 (hg19) VCF-style: chr18-33877878-G-C.
Other names: c.80G>C, p.Arg27Pro (NM_001281739.3, NM_025135.5); c.80G>C (NM_025135.2); short protein forms R27P.
Identifiers: ClinVar variation 1805289 (VCV001805289.7), dbSNP rs755501978, ClinGen allele CA8941147.

ClinVar aggregate classification (germline): Conflicting classifications of pathogenicity. Review status: criteria provided, conflicting classifications (1 of 4 stars). 5 submissions from 5 submitters: Uncertain significance (3); Likely benign (1). 1 of the submissions does not count toward it. Last evaluated 2025-04-09.

Conditions:
Cardiomyopathy, familial hypertrophic, 28. Identifiers: MedGen C5543616, MONDO:0030317, OMIM 619402.
Cardiovascular phenotype. Identifiers: MedGen CN230736.
Inborn genetic diseases. Identifiers: MedGen C0950123, MeSH D030342.
Hypertrophic cardiomyopathy. Also called: HYPERTROPHIC MYOCARDIOPATHY. Identifiers: Orphanet 217569, MedGen C0007194, MeSH D002312, MONDO:0005045, HP:0001639.

Allele frequency attached by ClinVar (database versions not stated): TOPMed 0.00018; gnomAD 0.00021; ExAC 0.00033.
gnomAD v4.1: 610 of 1,559,724 alleles (0.039%); highest among the groups gnomAD compares: Non-Finnish European, 0.051%; 1 homozygote.

Submissions (5):

Molecular Diagnostic Laboratory for Inherited Cardiovascular Disease, Montreal Heart Institute
Classification: Uncertain significance for Cardiovascular phenotype. Last evaluated: 2025-04-09. Review status: criteria provided, single submitter. Criteria: ACMG Guidelines, 2015. Collection method: clinical testing. Allele origin: germline. Affected: yes.

Blueprint Genetics
Classification: Likely benign. Last evaluated: 2024-09-06. Review status: criteria provided, single submitter. Criteria: ACMG Guidelines, 2015. Collection method: clinical testing. Allele origin: germline.

Ambry Genetics
Classification: Uncertain significance for Inborn genetic diseases. Last evaluated: 2021-08-02. Review status: criteria provided, single submitter. Criteria: Ambry Variant Classification Scheme 2023. Collection method: clinical testing. Allele origin: germline.

Victorian Clinical Genetics Services, Murdoch Childrens Research Institute
Classification: Uncertain significance for Cardiomyopathy, familial hypertrophic, 28. Last evaluated: 2021-05-06. Review status: criteria provided, single submitter. Criteria: ACMG Guidelines, 2015. Collection method: clinical testing. Allele origin: germline. Inheritance: Autosomal dominant inheritance. Affected: yes.
Comment: Based on the classification scheme VCGS_Germline_v1.3.4, this variant is classified as VUS-3C. Following criteria are met: 0105 - The mechanism of disease for this gene is not clearly established. However, dominant-negative has been suggested for a single missense variant (PMID: 24088304). (I) 0107 - This gene is associated with autosomal dominant disease. (I) 0200 - Variant is predicted to result in a missense amino acid change from arginine to proline. (I) 0251 - This variant is heterozygous. (I) 0302 - Variant is present in gnomAD <0.001 for a dominant condition (v2: 32 heterozygotes, 0 homozygotes). (SP) 0502 - Missense variant with conflicting in silico predictions and uninformative conservation. (I) 0603 - Missense variant in a region that is highly intolerant to missense variation (high constraint region in DECIPHER). (SP) 0705 - No comparable missense variants have previous evidence for pathogenicity. (I) 0807 - This variant has no previous evidence of pathogenicity. (I) 0905 - No published segregation evidence has been identified for this variant. (I) 1007 - No published functional evidence has been identified for this variant. (I) 1208 - Inheritance information for this variant is not currently available in this individual. (I) Legend: (SP) - Supporting pathogenic, (I) - Information, (SB) - Supporting benign

Zaffran Lab, Genetics of Cardiac Diseases Laboratory, Marseille Medical Genetics
Classification: Uncertain significance for hypertrophic cardiomyopathy. Review status: no assertion criteria provided. Collection method: research. Allele origin: unknown. Affected: yes. Not counted in ClinVar's aggregate classification.

Literature cited by the submitters: PubMed 24088304 (cited by Victorian Clinical Genetics Services, Murdoch Childrens Research Institute).